The following is an entry in ClinVar:

NM_000038.6(APC):c.5168T>G (p.Ile1723Ser)

Gene: APC (APC regulator of Wnt signaling pathway; plus strand). Cytogenetic location: 5q22.2.
Variant type: single nucleotide variant.
Coding change: c.5168T>G on transcript NM_000038.6 (MANE Select); coding-DNA position 5168, T replaced by G.
Protein change: p.Ile1723Ser; replaces isoleucine 1723 with serine.
Molecular consequence: missense variant.
Genome position (GRCh38, 1-based): chr5:112,840,762, T>G. VCF-style: chr5-112840762-T-G. GRCh37 (hg19) VCF-style: chr5-112176459-T-G.
Other names: c.5168T>G, p.Ile1723Ser (NM_001127510.3, NM_001354895.2); c.5114T>G, p.Ile1705Ser (NM_001127511.3); c.5222T>G, p.Ile1741Ser (NM_001354896.2); c.5198T>G, p.Ile1733Ser (NM_001354897.2); c.5093T>G, p.Ile1698Ser (NM_001354898.2); c.5084T>G, p.Ile1695Ser (NM_001354899.2); c.5045T>G, p.Ile1682Ser (NM_001354900.2); c.4991T>G, p.Ile1664Ser (NM_001354901.2); and 5 more; short protein forms I1597S, I1698S, I1705S, I1563S, I1632S, I1682S, I1440S, I1622S.
Identifiers: ClinVar variation 1509184 (VCV001509184.8), dbSNP rs1308242882, ClinGen allele CA16032630.
Genomic context (GRCh38, chr5:112,840,762, plus strand): 5'-GAAAAACCTCATCTGTAACCATACCTGAATTGGATGACAATAAAGCAGAGGAAGGTGATA[T>G]TCTTGCAGAATGCATTAATTCTGCTATGCCCAAAGGGAAAAGTCACAAGCCTTTCCGTGT-3'
Protein context (NP_000029.2, residues 1713-1733): LDDNKAEEGD[Ile1723Ser]LAECINSAMP

ClinVar aggregate classification (germline): Uncertain significance. Review status: criteria provided, multiple submitters, no conflicts (2 of 4 stars). 2 submissions from 2 submitters: Uncertain significance (2). Last evaluated 2022-09-01.

Conditions:
Hereditary cancer-predisposing syndrome. Also called: Hereditary neoplastic syndrome; Neoplastic Syndromes, Hereditary; Tumor predisposition; Hereditary Cancer Syndrome. Identifiers: Orphanet 140162, MedGen C0027672, MeSH D009386, MONDO:0015356.
Familial adenomatous polyposis 1 (FAP1). Also called: FAMILIAL ADENOMATOUS POLYPOSIS 1, ATTENUATED; POLYPOSIS, ADENOMATOUS INTESTINAL. Identifiers: MedGen C2713442, MONDO:0021056, OMIM 175100. Disease mechanism: loss of function.

Submissions (2):

Labcorp Genetics (formerly Invitae), Labcorp
Classification: Uncertain significance for Familial adenomatous polyposis 1. Last evaluated: 2022-09-01. Review status: criteria provided, single submitter. Criteria: Invitae Variant Classification Sherloc (09022015). Collection method: clinical testing. Allele origin: germline.
Comment: In summary, the available evidence is currently insufficient to determine the role of this variant in disease. Therefore, it has been classified as a Variant of Uncertain Significance. Algorithms developed to predict the effect of missense changes on protein structure and function (SIFT, PolyPhen-2, Align-GVGD) all suggest that this variant is likely to be disruptive. ClinVar contains an entry for this variant (Variation ID: 1509184). This variant has not been reported in the literature in individuals affected with APC-related conditions. This variant is not present in population databases (gnomAD no frequency). This sequence change replaces isoleucine, which is neutral and non-polar, with serine, which is neutral and polar, at codon 1723 of the APC protein (p.Ile1723Ser).

Ambry Genetics
Classification: Uncertain significance for Hereditary cancer-predisposing syndrome. Last evaluated: 2022-08-22. Review status: criteria provided, single submitter. Criteria: Ambry Variant Classification Scheme 2023. Collection method: clinical testing. Allele origin: germline.
Comment: The p.I1723S variant (also known as c.5168T>G), located in coding exon 15 of the APC gene, results from a T to G substitution at nucleotide position 5168. The isoleucine at codon 1723 is replaced by serine, an amino acid with dissimilar properties. This amino acid position is conserved. In addition, in silico predictors for this gene do not accurately predict pathogenicity. Since supporting evidence is limited at this time, the clinical significance of this alteration remains unclear.